The following is an entry in ClinVar:

NM_001394998.1(TANC2):c.5204T>C (p.Ile1735Thr)

Gene: TANC2 (tetratricopeptide repeat, ankyrin repeat and coiled-coil containing 2; plus strand). Cytogenetic location: 17q23.3.
Variant type: single nucleotide variant.
Coding change: c.5204T>C on transcript NM_001394998.1 (MANE Select); coding-DNA position 5204, T replaced by C.
Protein change: p.Ile1735Thr; replaces isoleucine 1735 with threonine.
Molecular consequence: missense variant.
Genome position (GRCh38, 1-based): chr17:63,420,934, T>C. VCF-style: chr17-63420934-T-C. GRCh37 (hg19) VCF-style: chr17-61498295-T-C.
Other names: c.4982T>C, p.Ile1661Thr (NM_001411076.1); c.4952T>C, p.Ile1651Thr (NM_025185.4); short protein forms I1651T, I1661T, I1735T.
Identifiers: ClinVar variation 2412321 (VCV002412321.27), dbSNP rs200847109, ClinGen allele CA8698394.

ClinVar aggregate classification (germline): Likely benign. Review status: criteria provided, multiple submitters, no conflicts (2 of 4 stars). 2 submissions from 2 submitters: Likely benign (2). Last evaluated 2023-11-01.

Conditions:
Inborn genetic diseases. Identifiers: MedGen C0950123, MeSH D030342.

Allele frequency attached by ClinVar (database versions not stated): gnomAD exomes 0.00026; gnomAD 0.00028; ESP Exome Variant Server 0.00031; TOPMed 0.00031; ExAC 0.00037.
gnomAD v4.1: 441 of 1,613,768 alleles (0.027%); highest among the groups gnomAD compares: Middle Eastern, 0.016%; 1 homozygote.

Submissions (2):

CeGaT Center for Human Genetics Tuebingen
Classification: Likely benign. Last evaluated: 2023-11-01. Review status: criteria provided, single submitter. Criteria: CeGaT Center For Human Genetics Tuebingen Variant Classification Criteria Version 2. Collection method: clinical testing. Allele origin: germline. Affected: yes. Observed: 2 variant alleles.
Comment: TANC2: BP4, BS2

Ambry Genetics
Classification: Likely benign for Inborn genetic diseases. Last evaluated: 2022-04-12. Review status: criteria provided, single submitter. Criteria: Ambry Variant Classification Scheme 2023. Collection method: clinical testing. Allele origin: germline.